The following is an entry in ClinVar:

NM_005045.4(RELN):c.3209T>C (p.Met1070Thr)

Gene: RELN (reelin; minus strand). Cytogenetic location: 7q22.1.
Variant type: single nucleotide variant.
Coding change: c.3209T>C on transcript NM_005045.4 (MANE Select); coding-DNA position 3209, T replaced by C.
Protein change: p.Met1070Thr; replaces methionine 1070 with threonine.
Molecular consequence: missense variant.
Genome position (GRCh38, 1-based): chr7:103,603,428, A>G on the plus strand (T>C on the coding strand, the complement: RELN is on the minus strand). VCF-style: chr7-103603428-A-G. GRCh37 (hg19) VCF-style: chr7-103243875-A-G.
Other names: c.3209T>C, p.Met1070Thr (NM_173054.3); short protein forms M1070T.
Identifiers: ClinVar variation 475959 (VCV000475959.1), dbSNP rs1554389059, ClinGen allele CA368763258.
Genomic context (GRCh38, chr7:103,603,428, plus strand): 5'-TCTCCCCCAATAACTTCTTGCCAGTCAGACTCCCAGCCATTCTGGTTCTCAAAATCTGAC[A>G]TAATTGTGGACGGAAGGGCAGCTTCTGGGTGGCATTCAGTGCCTTGGTACCCCTGGTCAC-3'
Protein context (NP_005036.2, residues 1060-1080): HPEAALPSTI[Met1070Thr]SDFENQNGWE

ClinVar aggregate classification (germline): Uncertain significance (1 of 4 stars; one submission).

Conditions:
Norman-Roberts syndrome (LIS2). Also called: Lissencephaly 2 (Norman-Roberts type). Identifiers: Orphanet 89844, MedGen C0796089, MONDO:0009760, OMIM 257320.
Familial temporal lobe epilepsy 7. Identifiers: Orphanet 101046, MedGen C4225327, MONDO:0014639, OMIM 616436.

Submission:

Labcorp Genetics (formerly Invitae), Labcorp
Classification: Uncertain significance for Familial temporal lobe epilepsy 7; Norman-Roberts syndrome. Last evaluated: 2017-07-03. Review status: criteria provided, single submitter. Criteria: Invitae Variant Classification Sherloc (09022015). Collection method: clinical testing. Allele origin: germline.
Comment: This sequence change replaces methionine with threonine at codon 1070 of the RELN protein (p.Met1070Thr). The methionine residue is highly conserved and there is a moderate physicochemical difference between methionine and threonine. This variant is not present in population databases (ExAC no frequency) and has not been reported in the literature in individuals with a RELN-related disease. Algorithms developed to predict the effect of missense changes on protein structure and function do not agree on the potential impact of this missense change (SIFT: "Deleterious"; PolyPhen-2: "Benign"; Align-GVGD: "Class C0"). In summary, this variant is a novel missense change with uncertain impact on protein function. It has been classified as a Variant of Uncertain Significance.